The following is an entry in ClinVar:

NM_007294.4(BRCA1):c.4902G>T (p.Arg1634Ser)

Gene: BRCA1 (BRCA1 DNA repair associated; minus strand). Cytogenetic location: 17q21.31.
Variant type: single nucleotide variant.
Coding change: c.4902G>T on transcript NM_007294.4 (MANE Select); coding-DNA position 4902, G replaced by T.
Protein change: p.Arg1634Ser; replaces arginine 1634 with serine.
Molecular consequence: missense variant. On other transcripts: non-coding transcript variant (1).
Genome position (GRCh38, 1-based): chr17:43,071,012, C>A on the plus strand (G>T on the coding strand, the complement: BRCA1 is on the minus strand). VCF-style: chr17-43071012-C-A. GRCh37 (hg19) VCF-style: chr17-41223029-C-A.
Other names: c.4761G>T, p.Arg1587Ser (NM_001407726.1, NM_001407727.1, NM_001407728.1 and 13 more transcripts); c.4758G>T, p.Arg1586Ser (NM_001407742.1, NM_001407743.1, NM_001407744.1 and 21 more transcripts); c.4755G>T, p.Arg1585Ser (NM_001407847.1, NM_001407848.1, NM_001407849.1 and 12 more transcripts); c.4902G>T, p.Arg1634Ser (NM_001407854.1, NM_001407593.1, NM_001407594.1 and 8 more transcripts); c.4899G>T, p.Arg1633Ser (NM_001407858.1, NM_001407618.1, NM_001407619.1 and 17 more transcripts); c.4692G>T, p.Arg1564Ser (NM_001407884.1, NM_001407885.1, NM_001407886.1 and 5 more transcripts); c.4689G>T, p.Arg1563Ser (NM_001407894.1, NM_001407895.1, NM_001407896.1 and 12 more transcripts); c.4686G>T, p.Arg1562Ser (NM_001407915.1, NM_001407916.1, NM_001407917.1 and 1 more transcripts); and 70 more; short protein forms R1634S, R1655S, R1587S, R530S, R1337S, R1465S, R1507S, R1544S.
Identifiers: ClinVar variation 868387 (VCV000868387.4), dbSNP rs746199881, ClinGen allele CA053433.

ClinVar aggregate classification (germline): Benign (1 of 4 stars; one submission).

Conditions:
Breast-ovarian cancer, familial, susceptibility to, 1 (BROVCA1). Also called: BRCA1 Hereditary Breast and Ovarian Cancer; OVARIAN CANCER, SUSCEPTIBILITY TO. Identifiers: Orphanet 145, MedGen C2676676, MONDO:0011450, OMIM 604370. Disease mechanism: loss of function.

Allele frequency attached by ClinVar (database versions not stated): gnomAD exomes 0.00001; ExAC 0.00002.
gnomAD v4.1: 3 of 1,614,202 alleles (0.00019%); highest among the groups gnomAD compares: South Asian, 0.0033%; no homozygotes.

Submissions (2):

Cancer Bioinformatics and Tumour Evolution Laboratory, Monash University
Classification: Benign for Breast-ovarian cancer, familial, susceptibility to, 1. Last evaluated: 2026-05-01. Review status: criteria provided, single submitter. Criteria: ClinGen BRCA1 and BRCA2 Guidelines, 2024. Collection method: curation. Allele origin: germline. Inheritance: Autosomal dominant inheritance.
Comment: PMID: 30209399 - Saturation Genome editing on haploid HAP1 cells to assess HDR capacity. Variant had a functional score. All the possible SNVs in this codon were analysed in the study and all the missenses in this position were found to be functional. PMID: 35196514 - HDR assay and Cisplatin response assay. Variant has an HDR score of 0.072378131, which is functional according to this assay. These studies allow for the application of BS3 (functional studies show no impact) The variant is also a missense variant outside of the functional domain, with no predicted splice impact. Hence, according to the VCEP guidelines, BP1_Strong is applied.

Brotman Baty Institute, University of Washington
No classification provided (evidence only). Condition: Breast-ovarian cancer, familial 1. Review status: no classification provided. Collection method: in vitro. Allele origin: not applicable. Functional consequence: functionally_normal. Not counted in ClinVar's aggregate classification.
ClinVar note: "not provided" was previously submitted as the classification for the variant. However, the classification appeared to be based only on an observation of functional data so it was converted to no classification on 2025-07-30.

Literature cited by the submitters: PubMed 30209399 (cited by Cancer Bioinformatics and Tumour Evolution Laboratory, Monash University); PubMed 35196514 (cited by Cancer Bioinformatics and Tumour Evolution Laboratory, Monash University).